The following is an entry in ClinVar:

NM_000458.4(HNF1B):c.232G>T (p.Glu78Ter)

Gene: HNF1B (HNF1 homeobox B; minus strand). Cytogenetic location: 17q12.
Variant type: single nucleotide variant.
Coding change: c.232G>T on transcript NM_000458.4 (MANE Select); coding-DNA position 232, G replaced by T.
Protein change: p.Glu78Ter; replaces glutamic acid 78 with a stop codon.
Molecular consequence: nonsense.
Genome position (GRCh38, 1-based): chr17:37,744,653, C>A on the plus strand (G>T on the coding strand, the complement: HNF1B is on the minus strand). VCF-style: chr17-37744653-C-A. GRCh37 (hg19) VCF-style: chr17-36104644-C-A.
Other names: c.232G>T, p.Glu78Ter (NM_001165923.4, NM_001304286.2); short protein forms E78*.
Identifiers: ClinVar variation 635724 (VCV000635724.5), dbSNP rs2511850923, ClinGen allele CA398753654.
Genomic context (GRCh38, chr17:37,744,653, plus strand): 5'-GCGCCTGCAGCTCCTTGAGGATGGGAGGTGTGTCATAGTCGTCGCCGTCCTCGGAGCCCT[C>A]GTCGCCGGACAAGCGGCCCTTGGCGTGGCCGTTGGTGAGAGTATGGAAGACCGGCTTGGT-3'

ClinVar aggregate classification (germline): Pathogenic. Review status: criteria provided, multiple submitters, no conflicts (2 of 4 stars). 4 submissions from 4 submitters: Pathogenic (3). 1 of the submissions does not count toward it. Last evaluated 2022-05-26.

Conditions:
HNF1B-related disorder. Also called: HNF1B-related disorders; HNF1B-related condition.
Type 2 diabetes mellitus. Also called: Type II diabetes mellitus. Identifiers: MedGen C0011860, MeSH D003924, MONDO:0005148, OMIM 125853, HP:0005978.
Renal cysts and diabetes syndrome (RCAD). Also called: Familial hypoplastic, glomerulocystic kidney; MATURITY-ONSET DIABETES OF THE YOUNG, TYPE 5. Identifiers: Orphanet 93111, MedGen C0431693, MONDO:0007669, OMIM 137920.
Nonpapillary renal cell carcinoma. Identifiers: Orphanet 422526, MedGen CN074294, MONDO:0007763, OMIM 144700.

gnomAD v4.1: 1 of 1,613,022 alleles (0.000062%); highest among the groups gnomAD compares: Non-Finnish European, 0.000085%; no homozygotes.

Submissions (4):

Fulgent Genetics
Classification: Pathogenic for Type 2 diabetes mellitus; Renal cysts and diabetes syndrome; Nonpapillary renal cell carcinoma. Last evaluated: 2022-05-26. Review status: criteria provided, single submitter. Criteria: ACMG Guidelines, 2015. Collection method: clinical testing. Allele origin: unknown.

Institute of Human Genetics, FAU Erlangen, Friedrich-Alexander-Universität Erlangen-Nürnberg
Classification: Pathogenic for Renal cysts and diabetes syndrome. Last evaluated: 2019-07-06. Review status: criteria provided, single submitter. Criteria: ACMG Guidelines, 2015. Collection method: literature only. Allele origin: germline. Affected: yes.
Comment: This variant and it's classification has been reported by Vasileiou et al. 2019; DOI:10.1101/576918. The variants has previously been reported in PMID:20378641; PMID:25700310; PMID:20378641; PMID:25536396 as "c.232G->T,p.Glu78X; c.232G>T; c.232G>T" with clinical significance Pathogenic. It has been re-classified using InterVar and manual curation as Pathogenic based on PVS1 PM2 PP3.

Blueprint Genetics
Classification: Pathogenic for HNF1B-related disorders. Last evaluated: 2018-10-18. Review status: criteria provided, single submitter. Criteria: ACMG Guidelines, 2015. Collection method: clinical testing. Allele origin: germline. Affected: yes. Observed: 2 variant alleles.

Bioscientia Institut fuer Medizinische Diagnostik GmbH, Sonic Healthcare
Classification: Pathogenic for Type 2 diabetes mellitus. Last evaluated: 2019-08-28. Review status: no assertion criteria provided. Collection method: clinical testing. Allele origin: germline. Affected: yes. Not counted in ClinVar's aggregate classification.

Literature cited by the submitters: PubMed 20378641 (cited by Institute of Human Genetics, FAU Erlangen, Friedrich-Alexander-Universität Erlangen-Nürnberg); PubMed 25700310 (cited by Institute of Human Genetics, FAU Erlangen, Friedrich-Alexander-Universität Erlangen-Nürnberg); PubMed 25536396 (cited by Institute of Human Genetics, FAU Erlangen, Friedrich-Alexander-Universität Erlangen-Nürnberg); DOI 10.1101/576918 (cited by Institute of Human Genetics, FAU Erlangen, Friedrich-Alexander-Universität Erlangen-Nürnberg).